The following is an entry in ClinVar:

NM_004035.7(ACOX1):c.5A>G (p.Asn2Ser)

Gene: ACOX1 (acyl-CoA oxidase 1; minus strand). Cytogenetic location: 17q25.1.
Variant type: single nucleotide variant.
Coding change: c.5A>G on transcript NM_004035.7 (MANE Select); coding-DNA position 5, A replaced by G.
Protein change: p.Asn2Ser; replaces asparagine 2 with serine.
Molecular consequence: missense variant. On other transcripts: 5 prime UTR variant (1).
Genome position (GRCh38, 1-based): chr17:75,979,069, T>C on the plus strand (A>G on the coding strand, the complement: ACOX1 is on the minus strand). VCF-style: chr17-75979069-T-C. GRCh37 (hg19) VCF-style: chr17-73975150-T-C.
Other names: c.-284A>G (NM_001185039.2); c.5A>G, p.Asn2Ser (NM_007292.6); short protein forms N2S.
Identifiers: ClinVar variation 2149365 (VCV002149365.1), dbSNP rs767071994, ClinGen allele CA8777179.

ClinVar aggregate classification (germline): Uncertain significance (1 of 4 stars; one submission).

Conditions:
Acyl-CoA oxidase deficiency. Also called: STRAIGHT-CHAIN ACYL-CoA OXIDASE DEFICIENCY; Pseudoneonatal adrenoleukodystrophy; Peroxisomal acyl-CoA oxidase deficiency. Identifiers: Orphanet 2971, MedGen C1849678, MONDO:0009919, OMIM 264470. Disease mechanism: loss of function.

Allele frequency attached by ClinVar (database versions not stated): ExAC 0.00001; gnomAD 0.00001; TOPMed 0.00002.
gnomAD v4.1: 30 of 1,611,292 alleles (0.0019%); highest among the groups gnomAD compares: Non-Finnish European, 0.0023%; no homozygotes.

Submission:

Labcorp Genetics (formerly Invitae), Labcorp
Classification: Uncertain significance for Acyl-CoA oxidase deficiency. Last evaluated: 2022-05-21. Review status: criteria provided, single submitter. Criteria: Invitae Variant Classification Sherloc (09022015). Collection method: clinical testing. Allele origin: germline.
Comment: This sequence change replaces asparagine, which is neutral and polar, with serine, which is neutral and polar, at codon 2 of the ACOX1 protein (p.Asn2Ser). This variant is present in population databases (rs767071994, gnomAD 0.003%). This variant has not been reported in the literature in individuals affected with ACOX1-related conditions. Algorithms developed to predict the effect of missense changes on protein structure and function (SIFT, PolyPhen-2, Align-GVGD) all suggest that this variant is likely to be disruptive. In summary, the available evidence is currently insufficient to determine the role of this variant in disease. Therefore, it has been classified as a Variant of Uncertain Significance.